The following is an entry in ClinVar:

NM_080669.6(SLC46A1):c.795A>T (p.Lys265Asn)

Gene: SLC46A1 (solute carrier family 46 member 1; minus strand). Cytogenetic location: 17q11.2.
Variant type: single nucleotide variant.
Coding change: c.795A>T on transcript NM_080669.6 (MANE Select); coding-DNA position 795, A replaced by T.
Protein change: p.Lys265Asn; replaces lysine 265 with asparagine.
Molecular consequence: missense variant.
Genome position (GRCh38, 1-based): chr17:28,404,902, T>A on the plus strand (A>T on the coding strand, the complement: SLC46A1 is on the minus strand). VCF-style: chr17-28404902-T-A. GRCh37 (hg19) VCF-style: chr17-26731920-T-A.
Other names: c.795A>T, p.Lys265Asn (NM_001242366.3); short protein forms K265N.
Identifiers: ClinVar variation 1720288 (VCV001720288.5), dbSNP rs2508288917, ClinGen allele CA398348450.

ClinVar aggregate classification (germline): Uncertain significance (1 of 4 stars; one submission).

Submission:

Labcorp Genetics (formerly Invitae), Labcorp
Classification: Uncertain significance. Last evaluated: 2022-09-24. Review status: criteria provided, single submitter. Criteria: Invitae Variant Classification Sherloc (09022015). Collection method: clinical testing. Allele origin: germline.
Comment: This sequence change replaces lysine, which is basic and polar, with asparagine, which is neutral and polar, at codon 265 of the SLC46A1 protein (p.Lys265Asn). This variant is not present in population databases (gnomAD no frequency). This variant has not been reported in the literature in individuals affected with SLC46A1-related conditions. Experimental studies and prediction algorithms are not available or were not evaluated, and the functional significance of this variant is currently unknown. In summary, the available evidence is currently insufficient to determine the role of this variant in disease. Therefore, it has been classified as a Variant of Uncertain Significance.